The following is an entry in ClinVar:

ClinVar aggregate classification (germline): Conflicting classifications of pathogenicity. Review status: criteria provided, conflicting classifications (1 of 4 stars). 11 submissions from 11 submitters: Likely pathogenic (1); Uncertain significance (9); Likely benign (1). Last evaluated 2026-01-19.

Conditions:
Left ventricular noncompaction cardiomyopathy. Also called: left ventricular non-compaction cardiomyopathy. Identifiers: MedGen C4021133, HP:0011664.
Primary dilated cardiomyopathy (DCM). Also called: Dilated Cardiomyopathy. Identifiers: Orphanet 217604, MedGen C0007193, MeSH D002311, MONDO:0005021, HP:0001644. Inheritance: Various modes of inheritance.
Cardiovascular phenotype. Identifiers: MedGen CN230736.
Cardiomyopathy (CMYO). Also called: Cardiomyopathies. Identifiers: Orphanet 167848, MedGen C0878544, MONDO:0004994, HP:0001638. Inheritance: Various modes of inheritance.
Hypertrophic cardiomyopathy 4. Also called: Familial hypertrophic cardiomyopathy 4. Identifiers: MedGen C1861862, MONDO:0007268, OMIM 115197.
Hypertrophic cardiomyopathy. Also called: HYPERTROPHIC MYOCARDIOPATHY. Identifiers: Orphanet 217569, MedGen C0007194, MeSH D002312, MONDO:0005045, HP:0001639.

Allele frequency attached by ClinVar (database versions not stated): gnomAD 0.00004; TOPMed 0.00004; ExAC 0.00005; gnomAD exomes 0.00005.
gnomAD v4.1: 80 of 1,611,942 alleles (0.005%); highest among the groups gnomAD compares: East Asian, 0.02%; no homozygotes.

Submissions (11):

Labcorp Genetics (formerly Invitae), Labcorp
Classification: Likely pathogenic for Hypertrophic cardiomyopathy. Last evaluated: 2026-01-19. Review status: criteria provided, single submitter. Criteria: Invitae Variant Classification Sherloc (09022015). Collection method: clinical testing. Allele origin: germline.
Comment: This sequence change replaces proline, which is neutral and non-polar, with leucine, which is neutral and non-polar, at codon 186 of the MYBPC3 protein (p.Pro186Leu). This variant is present in population databases (rs727503216, gnomAD 0.02%). This missense change has been observed in individuals with hypertrophic cardiomyopathy or dilated cardiomyopathy (PMID: 20624503, 27532257, 27885498, 28416588, 29875424, 37652022; internal data). ClinVar contains an entry for this variant (Variation ID: 164147). An algorithm developed to predict the effect of missense changes on protein structure and function (PolyPhen-2) suggests that this variant is likely to be disruptive. In summary, the currently available evidence indicates that the variant is pathogenic, but additional data are needed to prove that conclusively. Therefore, this variant has been classified as Likely Pathogenic.

Color Diagnostics, LLC DBA Color Health
Classification: Uncertain significance for Cardiomyopathy. Last evaluated: 2025-03-10. Review status: criteria provided, single submitter. Criteria: ACMG Guidelines, 2015. Collection method: clinical testing. Allele origin: germline.
Comment: This missense variant replaces proline with leucine at codon 186 of the MYBPC3 protein. Computational prediction suggests that this variant may not impact protein structure and function. To our knowledge, functional studies have not been reported for this variant. This variant has been reported in individuals affected with hypertrophic cardiomyopathy (PMID: 20624503, 20800588, 27600940, 27885498, 29875424, 30775854, 32841044, 33495596, ClinVar SCV000925171.1). This variant has been identified in 11/243662 chromosomes in the general population by the Genome Aggregation Database (gnomAD). The available evidence is insufficient to determine the role of this variant in disease conclusively. Therefore, this variant is classified as a Variant of Uncertain Significance.

GeneDx
Classification: Uncertain significance. Last evaluated: 2025-02-27. Review status: criteria provided, single submitter. Criteria: GeneDx Variant Classification Process June 2021. Collection method: clinical testing. Allele origin: germline. Affected: yes.
Comment: In silico analysis indicates that this missense variant does not alter protein structure/function; This variant is associated with the following publications: (PMID: 27532257, 27600940, 24793961, 28416588, Niyazova2019[article], 31879508, 29875424, 34426522, 35653365, 20800588, 27885498, 20624503, 30775854, 32841044, 33495596, 37652022)

Ambry Genetics
Classification: Uncertain significance for Cardiovascular phenotype. Last evaluated: 2025-02-03. Review status: criteria provided, single submitter. Criteria: Ambry Variant Classification Scheme 2023. Collection method: clinical testing. Allele origin: germline.
Comment: The p.P186L variant (also known as c.557C>T), located in coding exon 5 of the MYBPC3 gene, results from a C to T substitution at nucleotide position 557. The proline at codon 186 is replaced by leucine, an amino acid with similar properties. This variant has been reported in hypertrophic cardiomyopathy (HCM) and dilated cardiomyopathy (DCM) cohorts, as well as in an HCM genetic testing cohort; however, clinical details have been limited (Millat G et al. Eur J Med Genet 2010 Jul;53:261-7; Dal Ferro M et al. Heart, 2017 11;103:1704-1710; Walsh R et al. Genet Med, 2017 02;19:192-203; Walsh R et al. Genet. Med., 2017 02;19:192-203; Mazzarotto F et al. Genet. Med., 2019 02;21:284-292). This variant has also been reported in the Framingham Heart Study cohort; however, clinical details were limited (Bick AG et al. Am J Hum Genet, 2012 Sep;91:513-9). This alteration has also been reported in whole exome sequencing cohorts (Retterer K et al. Genet Med, 2016 Jul;18:696-704; Kars ME et al. Proc Natl Acad Sci U S A, 2021 Sep;118:). This amino acid position is not well conserved in available vertebrate species. In addition, the in silico prediction for this alteration is inconclusive. Since supporting evidence is limited at this time, the clinical significance of this alteration remains unclear.

Blueprint Genetics
Classification: Likely benign. Last evaluated: 2024-09-11. Review status: criteria provided, single submitter. Criteria: ACMG Guidelines, 2015. Collection method: clinical testing. Allele origin: germline.

All of Us Research Program, National Institutes of Health
Classification: Uncertain significance for Hypertrophic cardiomyopathy. Last evaluated: 2023-11-02. Review status: criteria provided, single submitter. Criteria: ACMG Guidelines, 2015. Collection method: clinical testing. Allele origin: germline. Inheritance: Autosomal dominant inheritance. Observed: 3 variant alleles, 3 heterozygotes.
Comment: This missense variant replaces proline with leucine at codon 186 of the MYBPC3 protein. Computational prediction suggests that this variant may not impact protein structure and function (internally defined REVEL score threshold <= 0.5, PMID: 27666373). To our knowledge, functional studies have not been reported for this variant. This variant has been reported in multiple individuals affected with hypertrophic cardiomyopathy (PMID: 20624503, 20800588, 27600940, 27885498, 29875424, 30775854, 32841044, 33495596, ClinVar SCV000925171.1). This variant has been identified in 11/243662 chromosomes in the general population by the Genome Aggregation Database (gnomAD). The available evidence is insufficient to determine the role of this variant in disease conclusively. Therefore, this variant is classified as a Variant of Uncertain Significance.

This study involves interpretation of variants in research participants for the purpose of population health screening. Participant phenotype was not available at the time of variant classification. Additional details can be found in publication PMID: 35346344, PMCID: PMC8962531

CHEO Genetics Diagnostic Laboratory, Children's Hospital of Eastern Ontario
Classification: Uncertain significance for Cardiomyopathy. Last evaluated: 2021-08-05. Review status: criteria provided, single submitter. Criteria: ACMG Guidelines, 2015. Collection method: clinical testing. Allele origin: germline.

Victorian Clinical Genetics Services, Murdoch Childrens Research Institute
Classification: Uncertain significance for Hypertrophic cardiomyopathy 4. Last evaluated: 2021-05-06. Review status: criteria provided, single submitter. Criteria: ACMG Guidelines, 2015. Collection method: clinical testing. Allele origin: germline. Affected: yes.
Comment: Based on the classification scheme VCGS_Germline_v1.3.4, this variant is classified as VUS-3B. Following criteria are met: 0102 - Loss of function is a known mechanism of disease in this gene and is associated with hypertrophic cardiomyopathy 4 (MIM#115197). (I) 0108 - This gene is associated with both recessive and dominant disease. Heterozygous variants are frequently reported in adult onset conditions, however recessive inheritance results in a more severe early onset phenotype (OMIM). (I) 0200 - Variant is predicted to result in a missense amino acid change from proline to leucine. (I) 0251 - Variant is heterozygous. (I) 0302 - Variant is present in gnomAD <0.001 for a dominant condition (11 heterozygotes, 0 homozygotes). (SP) 0502 - Missense variant with conflicting in silico predictions and/or uninformative conservation. Conflicting in silico and moderate conservation. (I) 0600 - Variant is located in an annotated domain or motif, C1 domain; PMID: 20624503. (I) 0705 - No comparable variants have previous evidence for pathogenicity. (I) 0808 - Previous reports of pathogenicity are conflicting. This variant has been reported as either VUS, likely pathogenic or pathogenic in patients with hypertrophic cardiomyopathy and dilated cardiomyopathy. (ClinVar, Cardiodb, PMID: 20624503, 27600940, 28416588). (I) 0905 - No segregation evidence has been identified for this variant. (I) 1007 - No published functional evidence has been identified for this variant. (I) 1208 - Inheritance information for this variant is not currently available. (I) Legend: (SP) - Supporting pathogenic, (I) - Information, (SB) - Supporting benign

Petrovsky National Research Centre of Surgery, The Federal Agency for Scientific Organizations
Classification: Uncertain significance for Left ventricular noncompaction cardiomyopathy; Primary dilated cardiomyopathy. Last evaluated: 2020-10-15. Review status: criteria provided, single submitter. Criteria: ACMG Guidelines, 2015. Collection method: clinical testing. Allele origin: unknown. Inheritance: Autosomal dominant inheritance. Affected: yes.
Comment: The family was unavailable for screening. The frequency of p.P186L genetic variant, according to gnomAD, is 4,514e-5, which makes it rare. According to bioinformatic online resources, the p.P186L genetic variant is probably pathogenic. However, in the absence of familial screening and functional studies we assume that the p.P186L genetic variant could only be classified as a variant of uncertain clinical significance.

Laboratory for Molecular Medicine, Mass General Brigham Personalized Medicine
Classification: Uncertain significance. Last evaluated: 2019-04-04. Review status: criteria provided, single submitter. Criteria: ACMG Guidelines, 2015. Collection method: clinical testing. Allele origin: germline.
Comment: The p.Pro186Leu variant in MYBPC3 has been reported in 1 individual with HCM (Millat 2010) and was absent from large population studies. Computational prediction tools and conservation analysis do not provide strong support for or against an impact to the protein. In summary, the clinical significance of the Pro186Leu variant is uncertain.

Stanford Center for Inherited Cardiovascular Disease, Stanford University
Classification: Uncertain significance. Last evaluated: 2016-04-27. Review status: criteria provided, single submitter. Criteria: ACMG Guidelines, 2015. Collection method: provider interpretation. Allele origin: germline.

Literature cited by the submitters: PubMed 20624503 (cited by 6 submitters); PubMed 27532257 (cited by Labcorp Genetics (formerly Invitae), Labcorp and Ambry Genetics); PubMed 27885498 (cited by 4 submitters); PubMed 28416588 (cited by 3 submitters); PubMed 29875424 (cited by 4 submitters); PubMed 37652022 (cited by Labcorp Genetics (formerly Invitae), Labcorp); PubMed 20800588 (cited by Color Diagnostics, LLC DBA Color Health and All of Us Research Program, National Institutes of Health); PubMed 27600940 (cited by 4 submitters); PubMed 30775854 (cited by Color Diagnostics, LLC DBA Color Health and All of Us Research Program, National Institutes of Health); PubMed 32841044 (cited by 3 submitters); PubMed 33495596 (cited by Color Diagnostics, LLC DBA Color Health and All of Us Research Program, National Institutes of Health); PubMed 22958901 (cited by Ambry Genetics); PubMed 26633542 (cited by Ambry Genetics); PubMed 34426522 (cited by Ambry Genetics); PubMed 35653365 (cited by Ambry Genetics).

NM_000256.3(MYBPC3):c.557C>T (p.Pro186Leu)

Gene: MYBPC3 (myosin binding protein C3; minus strand). Cytogenetic location: 11p11.2.
Variant type: single nucleotide variant.
Coding change: c.557C>T on transcript NM_000256.3 (MANE Select); coding-DNA position 557, C replaced by T.
Protein change: p.Pro186Leu; replaces proline 186 with leucine.
Molecular consequence: missense variant.
Genome position (GRCh38, 1-based): chr11:47,349,871, G>A on the plus strand (C>T on the coding strand, the complement: MYBPC3 is on the minus strand). VCF-style: chr11-47349871-G-A. GRCh37 (hg19) VCF-style: chr11-47371422-G-A.
Other names: short protein forms P186L.
Identifiers: ClinVar variation 164147 (VCV000164147.37), dbSNP rs727503216, ClinGen allele CA015477.